The following is an entry in ClinVar:

ClinVar aggregate classification (germline): Uncertain significance. Review status: criteria provided, multiple submitters, no conflicts (2 of 4 stars). 2 submissions from 2 submitters: Uncertain significance (2). Last evaluated 2024-04-29.

Conditions:
Hereditary cancer-predisposing syndrome. Also called: Tumor predisposition; Hereditary Cancer Syndrome; Neoplastic Syndromes, Hereditary; Hereditary neoplastic syndrome. Identifiers: Orphanet 140162, MedGen C0027672, MeSH D009386, MONDO:0015356.
Retinoblastoma (RB1). Also called: RETINOBLASTOMA, SOMATIC. Identifiers: Orphanet 790, MedGen C0035335, MeSH D012175, MONDO:0008380, OMIM 180200, HP:0009919. Disease mechanism: loss of function. Inheritance: Both sporadic and heritable forms are tested..

Allele frequency attached by ClinVar (database versions not stated): gnomAD 0.00001.
gnomAD v4.1: 1 of 1,613,570 alleles (0.000062%); highest among the groups gnomAD compares: Non-Finnish European, 0.000085%; no homozygotes.

Submissions (2):

Labcorp Genetics (formerly Invitae), Labcorp
Classification: Uncertain significance for Retinoblastoma. Last evaluated: 2024-04-29. Review status: criteria provided, single submitter. Criteria: Invitae Variant Classification Sherloc (09022015). Collection method: clinical testing. Allele origin: germline.
Comment: This sequence change replaces proline, which is neutral and non-polar, with serine, which is neutral and polar, at codon 869 of the RB1 protein (p.Pro869Ser). This variant is present in population databases (no rsID available, gnomAD 0.007%). This variant has not been reported in the literature in individuals affected with RB1-related conditions. ClinVar contains an entry for this variant (Variation ID: 1793716). Advanced modeling of protein sequence and biophysical properties (such as structural, functional, and spatial information, amino acid conservation, physicochemical variation, residue mobility, and thermodynamic stability) has been performed at Invitae for this missense variant, however the output from this modeling did not meet the statistical confidence thresholds required to predict the impact of this variant on RB1 protein function. In summary, the available evidence is currently insufficient to determine the role of this variant in disease. Therefore, it has been classified as a Variant of Uncertain Significance.

Ambry Genetics
Classification: Uncertain significance for Hereditary cancer-predisposing syndrome. Last evaluated: 2022-08-22. Review status: criteria provided, single submitter. Criteria: Ambry Variant Classification Scheme 2023. Collection method: clinical testing. Allele origin: germline.
Comment: The p.P869S variant (also known as c.2605C>T), located in coding exon 25 of the RB1 gene, results from a C to T substitution at nucleotide position 2605. The proline at codon 869 is replaced by serine, an amino acid with similar properties. This amino acid position is conserved. In addition, the in silico prediction for this alteration is inconclusive. Since supporting evidence is limited at this time, the clinical significance of this alteration remains unclear.

NM_000321.3(RB1):c.2605C>T (p.Pro869Ser)

Gene: RB1 (RB transcriptional corepressor 1; plus strand). Cytogenetic location: 13q14.2.
Variant type: single nucleotide variant.
Coding change: c.2605C>T on transcript NM_000321.3 (MANE Select); coding-DNA position 2605, C replaced by T.
Protein change: p.Pro869Ser; replaces proline 869 with serine.
Molecular consequence: missense variant.
Genome position (GRCh38, 1-based): chr13:48,476,785, C>T. VCF-style: chr13-48476785-C-T. GRCh37 (hg19) VCF-style: chr13-49050921-C-T.
Other names: c.2605C>T, p.Pro869Ser (NM_001407165.1); c.55C>T, p.Pro19Ser (NM_001407168.1); short protein forms P19S, P869S.
Identifiers: ClinVar variation 1793716 (VCV001793716.4), dbSNP rs1415559108, ClinGen allele CA388157433.
Genomic context (GRCh38, chr13:48,476,785, plus strand): 5'-AATCAGATGGTATGTAACAGCGACCGTGTGCTCAAAAGAAGTGCTGAAGGAAGCAACCCT[C>T]CTAAACCACTGAAAAAACTACGCTTTGATATTGAAGGATCAGATGAAGCAGATGGAAGGT-3'
Protein context (NP_000312.2, residues 859-879): LKRSAEGSNP[Pro869Ser]KPLKKLRFDI